The following is an entry in ClinVar:

ClinVar aggregate classification (germline): Uncertain significance (1 of 4 stars; one submission).

Conditions:
Symmetrical dyschromatosis of extremities (DSH). Also called: RETICULATE ACROPIGMENTATION OF DOHI; SYMMETRIC DYSCHROMATOSIS OF THE EXTREMITIES; DYSCHROMATOSIS SYMMETRICA HEREDITARIA 1; Dyschromatosis symmetrica hereditaria. Identifiers: Orphanet 41, MedGen C0406775, MONDO:0007483, OMIM 127400.
Aicardi-Goutieres syndrome 6 (AGS6). Identifiers: Orphanet 51, MedGen C3539013, MONDO:0014007, OMIM 615010.

Allele frequency attached by ClinVar (database versions not stated): TOPMed below 0.00001; ExAC 0.00002; gnomAD 0.00001; gnomAD exomes 0.00001.
gnomAD v4.1: 6 of 1,614,050 alleles (0.00037%); highest among the groups gnomAD compares: Admixed American, 0.0083%; no homozygotes.

Submission:

Labcorp Genetics (formerly Invitae), Labcorp
Classification: Uncertain significance for Aicardi-Goutieres syndrome 6; Symmetrical dyschromatosis of extremities. Last evaluated: 2025-06-24. Review status: criteria provided, single submitter. Criteria: Invitae Variant Classification Sherloc (09022015). Collection method: clinical testing. Allele origin: germline.
Comment: This sequence change falls in intron 14 of the ADAR gene. It does not directly change the encoded amino acid sequence of the ADAR protein. It affects a nucleotide within the consensus splice site. This variant is present in population databases (rs746915200, gnomAD 0.009%). This variant has not been reported in the literature in individuals affected with ADAR-related conditions. ClinVar contains an entry for this variant (Variation ID: 1389154). Variants that disrupt the consensus splice site are a relatively common cause of aberrant splicing (PMID: 17576681, 9536098). Algorithms developed to predict the effect of sequence changes on RNA splicing suggest that this variant is not likely to affect RNA splicing. In summary, the available evidence is currently insufficient to determine the role of this variant in disease. Therefore, it has been classified as a Variant of Uncertain Significance.

Literature cited by the submitters: PubMed 17576681; PubMed 9536098.

NM_001111.5(ADAR):c.3443+3A>G

Gene: ADAR (adenosine deaminase RNA specific; minus strand). Cytogenetic location: 1q21.3.
Variant type: single nucleotide variant.
Coding change: c.3443+3A>G on transcript NM_001111.5 (MANE Select); 3 bases into the intron after coding-DNA position 3443, A replaced by G.
Molecular consequence: intron variant.
Genome position (GRCh38, 1-based): chr1:154,585,214, T>C on the plus strand (A>G on the coding strand, the complement: ADAR is on the minus strand). VCF-style: chr1-154585214-T-C. GRCh37 (hg19) VCF-style: chr1-154557690-T-C.
Other names: c.2558+3A>G (NM_001365046.1, NM_001025107.3, NM_001365048.1 and 2 more transcripts); c.3470+3A>G (NM_001365045.1); c.2480+3A>G (NM_001365049.1); c.3308+3A>G (NM_015841.4); c.3365+3A>G (NM_015840.4).
Identifiers: ClinVar variation 1389154 (VCV001389154.6), dbSNP rs746915200, ClinGen allele CA1130955.